The following is an entry in ClinVar:

NM_002972.4(SBF1):c.3878C>T (p.Ser1293Leu)

Gene: SBF1 (SET binding factor 1; minus strand). Cytogenetic location: 22q13.33.
Variant type: single nucleotide variant.
Coding change: c.3878C>T on transcript NM_002972.4 (MANE Select); coding-DNA position 3878, C replaced by T.
Protein change: p.Ser1293Leu; replaces serine 1293 with leucine.
Molecular consequence: missense variant. On other transcripts: intron variant (1).
Genome position (GRCh38, 1-based): chr22:50,457,060, G>A on the plus strand (C>T on the coding strand, the complement: SBF1 is on the minus strand). VCF-style: chr22-50457060-G-A. GRCh37 (hg19) VCF-style: chr22-50895489-G-A.
Other names: c.3830-387C>T (NM_001365819.1); short protein forms S1293L.
Identifiers: ClinVar variation 1516844 (VCV001516844.6), dbSNP rs765944860, ClinGen allele CA10316512.
Genomic context (GRCh38, chr22:50,457,060, plus strand): 5'-GGGGAGGCGGGCCTGCGCAGGCTCGGTACGGTACCTCGGGGTGCGGTCCGTCTGGAGGCC[G>A]AGGCCGCCATGGGGTTGGACAGCGTGGTGACCCTGGCTCTGGGGCTGGGAACTGAGGGCA-3'
Protein context (NP_002963.2, residues 1283-1303): VTTLSNPMAA[Ser1293Leu]ASRRTAPRGK

ClinVar aggregate classification (germline): Uncertain significance. Review status: criteria provided, multiple submitters, no conflicts (2 of 4 stars). 2 submissions from 2 submitters: Uncertain significance (2). Last evaluated 2024-04-25.

Allele frequency attached by ClinVar (database versions not stated): gnomAD 0.00003; TOPMed 0.00003; gnomAD exomes 0.00006; ExAC 0.00015.
gnomAD v4.1: 72 of 1,468,998 alleles (0.0049%); highest among the groups gnomAD compares: Non-Finnish European, 0.0061%; no homozygotes.

Submissions (2):

GeneDx
Classification: Uncertain significance. Last evaluated: 2024-04-25. Review status: criteria provided, single submitter. Criteria: GeneDx Variant Classification Process June 2021. Collection method: clinical testing. Allele origin: germline. Affected: yes.
Comment: In silico analysis indicates that this missense variant does not alter protein structure/function; This variant is associated with the following publications: (PMID: 31130284)

Labcorp Genetics (formerly Invitae), Labcorp
Classification: Uncertain significance. Last evaluated: 2021-11-03. Review status: criteria provided, single submitter. Criteria: Invitae Variant Classification Sherloc (09022015). Collection method: clinical testing. Allele origin: germline.
Comment: In summary, the available evidence is currently insufficient to determine the role of this variant in disease. Therefore, it has been classified as a Variant of Uncertain Significance. Algorithms developed to predict the effect of missense changes on protein structure and function output the following: SIFT: "Tolerated"; PolyPhen-2: "Benign"; Align-GVGD: "Class C0". The leucine amino acid residue is found in multiple mammalian species, which suggests that this missense change does not adversely affect protein function. This missense change has been observed in individual(s) with clinical features of SBF1-related conditions (PMID: 31130284). The frequency data for this variant in the population databases is considered unreliable, as metrics indicate poor data quality at this position in the gnomAD database. This sequence change replaces serine, which is neutral and polar, with leucine, which is neutral and non-polar, at codon 1293 of the SBF1 protein (p.Ser1293Leu).

Literature cited by the submitters: PubMed 31130284 (cited by Labcorp Genetics (formerly Invitae), Labcorp).